The following is an entry in ClinVar:

ClinVar aggregate classification (germline): Conflicting classifications of pathogenicity. Review status: criteria provided, conflicting classifications (1 of 4 stars). 3 submissions from 3 submitters: Uncertain significance (2); Likely benign (1). Last evaluated 2026-06-05.

Conditions:
Primary dilated cardiomyopathy (DCM). Also called: Dilated Cardiomyopathy. Identifiers: Orphanet 217604, MedGen C0007193, MeSH D002311, MONDO:0005021, HP:0001644. Inheritance: Various modes of inheritance.

Allele frequency attached by ClinVar (database versions not stated): gnomAD exomes 0.00003 and 0.00005; gnomAD 0.00003; TOPMed 0.00008.
gnomAD v4.1: 22 of 1,613,948 alleles (0.0014%); highest among the groups gnomAD compares: Admixed American, 0.037%; no homozygotes.

Submissions (3):

Women's Health and Genetics/Laboratory Corporation of America, LabCorp
Classification: Likely benign. Last evaluated: 2026-06-05. Review status: criteria provided, single submitter. Criteria: LabCorp Variant Classification Summary - May 2015. Collection method: clinical testing. Allele origin: germline.

Labcorp Genetics (formerly Invitae), Labcorp
Classification: Uncertain significance for Primary dilated cardiomyopathy. Last evaluated: 2025-11-25. Review status: criteria provided, single submitter. Criteria: Invitae Variant Classification Sherloc (09022015). Collection method: clinical testing. Allele origin: germline.
Comment: This sequence change replaces glutamic acid, which is acidic and polar, with lysine, which is basic and polar, at codon 681 of the NEBL protein (p.Glu681Lys). This variant is present in population databases (no rsID available, gnomAD 0.04%). This variant has not been reported in the literature in individuals affected with NEBL-related conditions. ClinVar contains an entry for this variant (Variation ID: 412255). An algorithm developed to predict the effect of missense changes on protein structure and function (PolyPhen-2) suggests that this variant is likely to be disruptive. In summary, the available evidence is currently insufficient to determine the role of this variant in disease. Therefore, it has been classified as a Variant of Uncertain Significance.

Ambry Genetics
Classification: Uncertain significance. Last evaluated: 2025-08-28. Review status: criteria provided, single submitter. Criteria: Ambry Variant Classification Scheme 2023. Collection method: clinical testing. Allele origin: germline.

NM_006393.3(NEBL):c.2041G>A (p.Glu681Lys)

Gene: NEBL (nebulette; minus strand). Cytogenetic location: 10p12.31.
Variant type: single nucleotide variant.
Coding change: c.2041G>A on transcript NM_006393.3 (MANE Select); coding-DNA position 2041, G replaced by A.
Protein change: p.Glu681Lys; replaces glutamic acid 681 with lysine.
Molecular consequence: missense variant. On other transcripts: intron variant (9).
Genome position (GRCh38, 1-based): chr10:20,819,438, C>T on the plus strand (G>A on the coding strand, the complement: NEBL is on the minus strand). VCF-style: chr10-20819438-C-T. GRCh37 (hg19) VCF-style: chr10-21108367-C-T.
Other names: c.250-6498G>A (NM_001377326.1, NM_001377327.1, NM_001377328.1); c.358-6498G>A (NM_213569.2, NM_001173484.2, NM_001377322.1); c.301-6498G>A (NM_001377324.1); c.292-6498G>A (NM_001377325.1); c.310-6498G>A (NM_001377323.1); short protein forms E681K.
Identifiers: ClinVar variation 412255 (VCV000412255.11), dbSNP rs1060503679, ClinGen allele CA16612766.
Genomic context (GRCh38, chr10:20,819,438, plus strand): 5'-ATATGTTATGTTTGAGAAAATATAAAAGGAAACAGAAACGACTTGCCGCACTCAGCTGCT[C>T]CTGGTTTCGCCTCACTCTCTCTATCTCCGGGGTCATGCTTACCGGAGTGGCCTTGTAGTT-3'
Protein context (NP_006384.1, residues 671-691): PEIERVRRNQ[Glu681Lys]QLSAVKYKGE